The following is an entry in ClinVar:

ClinVar aggregate classification (germline): Conflicting classifications of pathogenicity. Review status: criteria provided, conflicting classifications (1 of 4 stars). 2 submissions from 2 submitters: Uncertain significance (1); Likely benign (1). Last evaluated 2023-03-23.

Conditions:
Hereditary cancer-predisposing syndrome. Also called: Tumor predisposition; Neoplastic Syndromes, Hereditary; Hereditary Cancer Syndrome; Hereditary neoplastic syndrome. Identifiers: Orphanet 140162, MedGen C0027672, MeSH D009386, MONDO:0015356.
Hereditary breast ovarian cancer syndrome. Also called: Hereditary breast and ovarian cancer syndrome (HBOC); Breast and ovarian cancer; BRCA1- and BRCA2-Associated Hereditary Breast and Ovarian Cancer; Hereditary breast and ovarian cancer; Hereditary breast and ovarian cancer syndrome; Hereditary breast and/or ovarian cancer syndrome. Identifiers: Orphanet 145, MedGen C0677776, MeSH D061325, MONDO:0003582. Disease mechanism: loss of function.

Submissions (2):

University of Washington Department of Laboratory Medicine, University of Washington
Classification: Likely benign for Hereditary cancer-predisposing syndrome. Last evaluated: 2023-03-23. Review status: criteria provided, single submitter. Criteria: Dines et al. (Genet Med. 2020). Collection method: curation. Allele origin: germline.
Comment: Missense variant in a coldspot region where missense variants are very unlikely to be pathogenic (PMID:31911673).

BRCA1 coldspot (exon 11 using historical exon numbering). Reclassification based on statistical prior probability

Labcorp Genetics (formerly Invitae), Labcorp
Classification: Uncertain significance for Hereditary breast ovarian cancer syndrome. Last evaluated: 2022-02-17. Review status: criteria provided, single submitter. Criteria: Invitae Variant Classification Sherloc (09022015). Collection method: clinical testing. Allele origin: germline.
Comment: In summary, the available evidence is currently insufficient to determine the role of this variant in disease. Therefore, it has been classified as a Variant of Uncertain Significance. Advanced modeling of protein sequence and biophysical properties (such as structural, functional, and spatial information, amino acid conservation, physicochemical variation, residue mobility, and thermodynamic stability) performed at Invitae indicates that this missense variant is not expected to disrupt BRCA1 protein function. Algorithms developed to predict the effect of sequence changes on RNA splicing suggest that this variant may create or strengthen a splice site. This variant is not present in population databases (gnomAD no frequency). This sequence change replaces alanine, which is neutral and non-polar, with valine, which is neutral and non-polar, at codon 705 of the BRCA1 protein (p.Ala705Val). This variant has not been reported in the literature in individuals affected with BRCA1-related conditions.

NM_007294.4(BRCA1):c.2114C>T (p.Ala705Val)

Gene: BRCA1 (BRCA1 DNA repair associated; minus strand). Cytogenetic location: 17q21.31.
Variant type: single nucleotide variant.
Coding change: c.2114C>T on transcript NM_007294.4 (MANE Select); coding-DNA position 2114, C replaced by T.
Protein change: p.Ala705Val; replaces alanine 705 with valine.
Molecular consequence: missense variant. On other transcripts: intron variant (137).
Genome position (GRCh38, 1-based): chr17:43,093,417, G>A on the plus strand (C>T on the coding strand, the complement: BRCA1 is on the minus strand). VCF-style: chr17-43093417-G-A. GRCh37 (hg19) VCF-style: chr17-41245434-G-A.
Other names: c.1901C>T, p.Ala634Val (NM_001407853.1, NM_001407571.1, NM_001407894.1 and 9 more transcripts); c.2114C>T, p.Ala705Val (NM_001407854.1, NM_001407858.1, NM_001407859.1 and 30 more transcripts); c.2111C>T, p.Ala704Val (NM_001407860.1, NM_001407861.1, NM_001407587.1 and 22 more transcripts); c.1910C>T, p.Ala637Val (NM_001407874.1, NM_001407875.1); c.1904C>T, p.Ala635Val (NM_001407879.1, NM_001407881.1, NM_001407882.1 and 13 more transcripts); c.1970C>T, p.Ala657Val (NM_001407845.1, NM_001407846.1, NM_001407847.1 and 20 more transcripts); c.1913C>T, p.Ala638Val (NM_001407862.1); c.1991C>T, p.Ala664Val (NM_001407863.1, NM_001407648.1, NM_001407664.1 and 19 more transcripts); and 41 more; short protein forms A658V, A705V, A577V, A635V, A664V, A679V, A537V, A616V.
Identifiers: ClinVar variation 1380811 (VCV001380811.9), dbSNP rs2154398643, ClinGen allele CA10597771.